The following is an entry in ClinVar:

NM_001113491.2(SEPTIN9):c.478T>C (p.Ser160Pro)

Gene: SEPTIN9 (septin 9; plus strand). Cytogenetic location: 17q25.3.
Variant type: single nucleotide variant.
Coding change: c.478T>C on transcript NM_001113491.2 (MANE Select); coding-DNA position 478, T replaced by C.
Protein change: p.Ser160Pro; replaces serine 160 with proline.
Molecular consequence: missense variant. On other transcripts: 5 prime UTR variant (2).
Genome position (GRCh38, 1-based): chr17:77,402,460, T>C. VCF-style: chr17-77402460-T-C. GRCh37 (hg19) VCF-style: chr17-75398542-T-C.
Other names: c.-15T>C (NM_001113492.2, NM_001113494.1); c.457T>C, p.Ser153Pro (NM_001113493.2); c.421T>C, p.Ser141Pro (NM_001293695.2); c.424T>C, p.Ser142Pro (NM_006640.5); short protein forms S141P, S142P, S153P, S160P.
Identifiers: ClinVar variation 1682608 (VCV001682608.7), dbSNP rs946188571, ClinGen allele CA294282884.

ClinVar aggregate classification (germline): Uncertain significance (1 of 4 stars; one submission).

Allele frequency attached by ClinVar (database versions not stated): gnomAD exomes below 0.00001; TOPMed 0.00001.
gnomAD v4.1: 3 of 1,608,790 alleles (0.00019%); highest among the groups gnomAD compares: African/African-American, 0.004%; no homozygotes.

Submission:

Labcorp Genetics (formerly Invitae), Labcorp
Classification: Uncertain significance. Last evaluated: 2021-05-20. Review status: criteria provided, single submitter. Criteria: Invitae Variant Classification Sherloc (09022015). Collection method: clinical testing. Allele origin: germline.
Comment: In summary, the available evidence is currently insufficient to determine the role of this variant in disease. Therefore, it has been classified as a Variant of Uncertain Significance. Algorithms developed to predict the effect of missense changes on protein structure and function output the following: SIFT: "Tolerated"; PolyPhen-2: "Benign"; Align-GVGD: "Class C0". The proline amino acid residue is found in multiple mammalian species, suggesting that this missense change does not adversely affect protein function. These predictions have not been confirmed by published functional studies and their clinical significance is uncertain. This variant has not been reported in the literature in individuals with SEPT9-related conditions. This variant is not present in population databases (ExAC no frequency). This sequence change replaces serine with proline at codon 142 of the SEPT9 protein (p.Ser142Pro). The serine residue is weakly conserved and there is a moderate physicochemical difference between serine and proline.